The following is an entry in ClinVar:

NM_014362.4(HIBCH):c.35G>A (p.Arg12Lys)

Gene: HIBCH (3-hydroxyisobutyryl-CoA hydrolase; minus strand). Cytogenetic location: 2q32.2.
Variant type: single nucleotide variant.
Coding change: c.35G>A on transcript NM_014362.4 (MANE Select); coding-DNA position 35, G replaced by A.
Protein change: p.Arg12Lys; replaces arginine 12 with lysine.
Molecular consequence: missense variant.
Genome position (GRCh38, 1-based): chr2:190,319,716, C>T on the plus strand (G>A on the coding strand, the complement: HIBCH is on the minus strand). VCF-style: chr2-190319716-C-T. GRCh37 (hg19) VCF-style: chr2-191184442-C-T.
Other names: c.35G>A, p.Arg12Lys (NM_198047.3); short protein forms R12K.
Identifiers: ClinVar variation 2163396 (VCV002163396.5), dbSNP rs146284219, ClinGen allele CA2027833.

ClinVar aggregate classification (germline): Uncertain significance. Review status: criteria provided, multiple submitters, no conflicts (2 of 4 stars). 2 submissions from 2 submitters: Uncertain significance (2). Last evaluated 2026-04-21.

Conditions:
3-hydroxyisobutyryl-CoA hydrolase deficiency. Also called: HIBCH DEFICIENCY; METHACRYLIC ACID TOXICITY; METHACRYLIC ACIDURIA; VALINE METABOLIC DEFECT; Reduced circulating 3-hydroxyisobutyryl-CoA hydrolase activity; Deficiency of 3-hydroxyisobutyryl CoA hydrolase. Identifiers: Orphanet 88639, MedGen C0342738, MONDO:0009603, OMIM 250620, HP:6000215.

Allele frequency attached by ClinVar (database versions not stated): ESP Exome Variant Server 0.00008; gnomAD 0.00015; TOPMed 0.00016; gnomAD exomes 0.00001; ExAC 0.00004.
gnomAD v4.1: 35 of 1,612,354 alleles (0.0022%); highest among the groups gnomAD compares: African/African-American, 0.037%; no homozygotes.

Submissions (2):

Women's Health and Genetics/Laboratory Corporation of America, LabCorp
Classification: Uncertain significance. Last evaluated: 2026-04-21. Review status: criteria provided, single submitter. Criteria: LabCorp Variant Classification Summary - May 2015. Collection method: clinical testing. Allele origin: germline.
Comment: Variant summary: HIBCH c.35G>A (p.Arg12Lys) results in a conservative amino acid change in the encoded protein sequence. Algorithms developed to predict the effect of missense changes on protein structure and function are either unavailable or do not agree on the potential impact of this missense change. Several computational tools predict a significant impact on normal splicing: One predicts the variant has no significant impact on splicing. Four predict the variant weakens a 5' donor site. One predicts the variant strengthens a cryptic 5' donor site. However, these predictions have yet to be confirmed by functional studies. The variant allele was found at a frequency of 3.6e-05 in 249018 control chromosomes. The available data on variant occurrences in the general population are insufficient to allow any conclusion about variant significance. To our knowledge, no occurrence of c.35G>A in individuals affected with HIBCH-related conditions and no experimental evidence demonstrating its impact on protein function have been reported. ClinVar contains an entry for this variant (Variation ID: 2163396). Based on the evidence outlined above, the variant was classified as uncertain significance.

Labcorp Genetics (formerly Invitae), Labcorp
Classification: Uncertain significance for 3-hydroxyisobutyryl-CoA hydrolase deficiency. Last evaluated: 2022-05-26. Review status: criteria provided, single submitter. Criteria: Invitae Variant Classification Sherloc (09022015). Collection method: clinical testing. Allele origin: germline.
Comment: In summary, the available evidence is currently insufficient to determine the role of this variant in disease. Therefore, it has been classified as a Variant of Uncertain Significance. Variants that disrupt the consensus splice site are a relatively common cause of aberrant splicing (PMID: 17576681, 9536098). Algorithms developed to predict the effect of sequence changes on RNA splicing suggest that this variant may disrupt the consensus splice site. Algorithms developed to predict the effect of missense changes on protein structure and function (SIFT, PolyPhen-2, Align-GVGD) all suggest that this variant is likely to be tolerated. This variant has not been reported in the literature in individuals affected with HIBCH-related conditions. This variant is present in population databases (rs146284219, gnomAD 0.04%). This sequence change affects codon 12 of the HIBCH mRNA. It is a 'silent' change, meaning that it does not change the encoded amino acid sequence of the HIBCH protein. This variant also falls at the last nucleotide of exon 1, which is part of the consensus splice site for this exon.

Literature cited by the submitters: PubMed 17576681 (cited by Labcorp Genetics (formerly Invitae), Labcorp); PubMed 9536098 (cited by Labcorp Genetics (formerly Invitae), Labcorp).